The following is an entry in ClinVar:

ClinVar aggregate classification (germline): Uncertain significance (1 of 4 stars; one submission).

Conditions:
Progressive familial heart block type IB (PFHB1B). Identifiers: Orphanet 871, MedGen C1970298, MONDO:0011474, OMIM 604559.

gnomAD v4.1: 10 of 1,612,842 alleles (0.00062%); highest among the groups gnomAD compares: Non-Finnish European, 0.00085%; no homozygotes.

Submission:

Labcorp Genetics (formerly Invitae), Labcorp
Classification: Uncertain significance for Progressive familial heart block type IB. Last evaluated: 2023-07-08. Review status: criteria provided, single submitter. Criteria: Invitae Variant Classification Sherloc (09022015). Collection method: clinical testing. Allele origin: germline.
Comment: In summary, the available evidence is currently insufficient to determine the role of this variant in disease. Therefore, it has been classified as a Variant of Uncertain Significance. Algorithms developed to predict the effect of missense changes on protein structure and function output the following: SIFT: "Not Available"; PolyPhen-2: "Benign"; Align-GVGD: "Not Available". The proline amino acid residue is found in multiple mammalian species, which suggests that this missense change does not adversely affect protein function. This missense change has been observed in individual(s) with long QT syndrome (PMID: 28315637). This variant is not present in population databases (gnomAD no frequency). This sequence change replaces arginine, which is basic and polar, with proline, which is neutral and non-polar, at codon 499 of the TRPM4 protein (p.Arg499Pro).

Literature cited by the submitters: PubMed 28315637.

NM_017636.4(TRPM4):c.1496G>C (p.Arg499Pro)

Gene: TRPM4 (transient receptor potential cation channel subfamily M member 4; plus strand). Cytogenetic location: 19q13.33.
Variant type: single nucleotide variant.
Coding change: c.1496G>C on transcript NM_017636.4 (MANE Select); coding-DNA position 1496, G replaced by C.
Protein change: p.Arg499Pro; replaces arginine 499 with proline.
Molecular consequence: missense variant. On other transcripts: 5 prime UTR variant (1).
Genome position (GRCh38, 1-based): chr19:49,182,810, G>C. VCF-style: chr19-49182810-G-C. GRCh37 (hg19) VCF-style: chr19-49686067-G-C.
Other names: c.1496G>C, p.Arg499Pro (NM_001195227.2); c.1151G>C, p.Arg384Pro (NM_001321281.2); c.-58G>C (NM_001321282.2); c.974G>C, p.Arg325Pro (NM_001321283.2); c.434G>C, p.Arg145Pro (NM_001321285.2); short protein forms R384P, R145P, R325P, R499P.
Identifiers: ClinVar variation 2736922 (VCV002736922.3), dbSNP rs2122936347, ClinGen allele CA406799512.